The following is an entry in ClinVar:

NM_182961.4(SYNE1):c.3769del (p.Glu1257fs)

Gene: SYNE1 (spectrin repeat containing nuclear envelope protein 1; minus strand). Cytogenetic location: 6q25.2.
Variant type: Deletion.
Coding change: c.3769del on transcript NM_182961.4 (MANE Select); coding-DNA position 3769, one base deleted (G; older notation c.3769delG).
Protein change: p.Glu1257fs; shifts the reading frame from glutamic acid 1257.
Molecular consequence: frameshift variant.
Genome position (GRCh38, 1-based): chr6:152,444,479, C deleted on the plus strand (G on the coding strand, the reverse complement: SYNE1 is on the minus strand); the first of 2 consecutive C bases (chr6:152,444,479-152,444,480); deleting either gives the same sequence. VCF-style (leftmost placement, unchanged base first): chr6-152444478-TC-T. GRCh37 (hg19) VCF-style: chr6-152765613-TC-T.
Other names: c.3790del, p.Glu1264fs (NM_033071.5); short protein forms E1257fs, E1264fs.
Identifiers: ClinVar variation 1335959 (VCV001335959.4), dbSNP rs2154239396, ClinGen allele CA2573052620.

ClinVar aggregate classification (germline): Pathogenic (1 of 4 stars; one submission).

Submission:

Genetic Services Laboratory, University of Chicago
Classification: Pathogenic. Last evaluated: 2018-09-10. Review status: criteria provided, single submitter. Criteria: ACMG Guidelines, 2015. Collection method: clinical testing. Allele origin: germline. Affected: yes.
Comment: DNA sequence analysis of the SYNE1 gene demonstrated a 1 base pair deletion in the SYNE1 gene in exon 30, c.3790del. This pathogenic sequence change results in an amino acid frameshift and creates a premature stop codon 82 amino acids downstream of the mutation, p.Glu1264Asnfs*83. This pathogenic sequence change is predicted to result in an abnormal transcript, which may be degraded, or may lead to the production of a truncated SYNE1 protein with potentially abnormal function. This pathogenic sequence change has not been previously described in a patient with SYNE1-related disorders and has also not been described as a known benign sequence change in the SYNE1 gene.